The following is an entry in ClinVar:

NM_001904.4(CTNNB1):c.1186-3T>G

Genes: CTNNB1 (catenin beta 1; plus strand), LOC126806659 (BRD4-independent group 4 enhancer GRCh37_chr3:41274918-41276117; plus strand). Cytogenetic location: 3p22.1.
Variant type: single nucleotide variant.
Coding change: c.1186-3T>G on transcript NM_001904.4 (MANE Select); 3 bases into the intron before coding-DNA position 1186, T replaced by G.
Molecular consequence: intron variant.
Genome position (GRCh38, 1-based): chr3:41,233,526, T>G. VCF-style: chr3-41233526-T-G. GRCh37 (hg19) VCF-style: chr3-41275017-T-G.
Other names: c.1165-3T>G (NM_001330729.2); c.1186-3T>G (NM_001098209.2, NM_001098210.2).
Identifiers: ClinVar variation 1320200 (VCV001320200.1), dbSNP rs1212452748, ClinGen allele CA2573052165.

ClinVar aggregate classification (germline): Likely pathogenic (1 of 4 stars; one submission).

Conditions:
Severe intellectual disability-progressive spastic diplegia syndrome (NEDSDV). Also called: NEURODEVELOPMENTAL DISORDER WITH SPASTIC DIPLEGIA AND VISUAL DEFECTS; CTNNB1 Neurodevelopmental Disorder. Identifiers: Orphanet 404473, MedGen C3554449, MONDO:0014035, OMIM 615075.

Submission:

3billion
Classification: Likely pathogenic for Severe intellectual disability-progressive spastic diplegia syndrome. Last evaluated: 2021-10-02. Review status: criteria provided, single submitter. Criteria: ACMG Guidelines, 2015. Collection method: clinical testing. Allele origin: germline. Affected: yes. Observed: 1 heterozygote.
Comment: The variant was observed as assumed (i.e. paternity and maternity not confirmed) de novoo (3billion dataset, PM6). It is not observed in the gnomAD v2.1.1 dataset (PM2). In silico tools predict the variant to alter splicing and produce an abnormal transcript (SpliceAI:0.98, PP3) Patient’s phenotype is considered as compatible with Neurodevelopmental disorder with spastic diplegia and visual defects (3billion dataset, PP4).Therefore, this variant is classified as pathogenic according to the recommendation of ACMG/AMP guideline.